The following is an entry in ClinVar:

ClinVar aggregate classification (germline): Uncertain significance (1 of 4 stars; one submission).

Allele frequency attached by ClinVar (database versions not stated): gnomAD exomes 0.00001.
gnomAD v4.1: 3 of 1,570,954 alleles (0.00019%); highest among the groups gnomAD compares: Admixed American, 0.0037%; no homozygotes.

Submission:

Labcorp Genetics (formerly Invitae), Labcorp
Classification: Uncertain significance. Last evaluated: 2023-05-15. Review status: criteria provided, single submitter. Criteria: Invitae Variant Classification Sherloc (09022015). Collection method: clinical testing. Allele origin: germline.
Comment: In summary, the available evidence is currently insufficient to determine the role of this variant in disease. Therefore, it has been classified as a Variant of Uncertain Significance. An algorithm developed to predict the effect of missense changes on protein structure and function (PolyPhen-2) suggests that this variant is likely to be disruptive. ClinVar contains an entry for this variant (Variation ID: 1935910). This variant has not been reported in the literature in individuals affected with LAMC3-related conditions. The frequency data for this variant in the population databases is considered unreliable, as metrics indicate poor data quality at this position in the gnomAD database. This sequence change replaces proline, which is neutral and non-polar, with histidine, which is basic and polar, at codon 115 of the LAMC3 protein (p.Pro115His).

NM_006059.4(LAMC3):c.344C>A (p.Pro115His)

Gene: LAMC3 (laminin subunit gamma 3; plus strand). Cytogenetic location: 9q34.12.
Variant type: single nucleotide variant.
Coding change: c.344C>A on transcript NM_006059.4 (MANE Select); coding-DNA position 344, C replaced by A.
Protein change: p.Pro115His; replaces proline 115 with histidine.
Molecular consequence: missense variant.
Genome position (GRCh38, 1-based): chr9:131,009,558, C>A. VCF-style: chr9-131009558-C-A. GRCh37 (hg19) VCF-style: chr9-133884945-C-A.
Other names: short protein forms P115H.
Identifiers: ClinVar variation 1935910 (VCV001935910.3), dbSNP rs1231709455, ClinGen allele CA375250911.